The following is an entry in ClinVar:

NM_003000.3(SDHB):c.459T>C (p.Ile153=)

Gene: SDHB (succinate dehydrogenase complex iron sulfur subunit B; minus strand). Cytogenetic location: 1p36.13.
Variant type: single nucleotide variant.
Coding change: c.459T>C on transcript NM_003000.3 (MANE Select); coding-DNA position 459, T replaced by C.
Protein change: p.Ile153=; no amino-acid change (isoleucine 153 retained).
Molecular consequence: synonymous variant.
Genome position (GRCh38, 1-based): chr1:17,027,830, A>G on the plus strand (T>C on the coding strand, the complement: SDHB is on the minus strand). VCF-style: chr1-17027830-A-G. GRCh37 (hg19) VCF-style: chr1-17354325-A-G.
Other names: c.405T>C, p.Ile135= (NM_001407361.1).
Identifiers: ClinVar variation 2932870 (VCV002932870.5), dbSNP rs2525017847, ClinGen allele CA416086179.

ClinVar aggregate classification (germline): Conflicting classifications of pathogenicity. Review status: criteria provided, conflicting classifications (1 of 4 stars). 3 submissions from 3 submitters: Uncertain significance (1); Likely benign (2). Last evaluated 2026-03-23.

Conditions:
Hereditary cancer-predisposing syndrome. Also called: Neoplastic Syndromes, Hereditary; Hereditary neoplastic syndrome; Tumor predisposition; Hereditary Cancer Syndrome. Identifiers: Orphanet 140162, MedGen C0027672, MeSH D009386, MONDO:0015356.
Pheochromocytoma. Also called: MAX-Related Hereditary Paraganglioma-Pheochromocytoma Syndrome. Identifiers: Orphanet 29072, MedGen C0031511, MONDO:0008233, OMIM 171300, HP:0002666.
Gastrointestinal stromal tumor. Also called: Gastrointestinal stromal tumor, somatic; Gastrointestinal stroma tumor. Identifiers: Orphanet 44890, MedGen C0238198, MeSH D046152, MONDO:0011719, OMIM 606764, HP:0100723.
Pheochromocytoma/paraganglioma syndrome 4. Also called: CAROTID BODY TUMORS AND MULTIPLE EXTRAADRENAL PHEOCHROMOCYTOMAS; PARAGANGLIOMA, FAMILIAL MALIGNANT; PARAGANGLIOMAS, HEREDITARY EXTRAADRENAL; PHEOCHROMOCYTOMA, FAMILIAL EXTRAADRENAL; Paragangliomas 4; SDHB-Related Hereditary Paraganglioma-Pheochromocytoma Syndrome (Paragangliomas 4). Identifiers: Orphanet 29072, MedGen C1861848, MONDO:0007273, OMIM 115310.
Hereditary pheochromocytoma and paraganglioma. Also called: Hereditary pheochromocytoma-paraganglioma; Hereditary Paraganglioma-Pheochromocytoma Syndromes; Hereditary paragangliomas and pheochromocytomas. Identifiers: Orphanet 29072, MedGen C4274332, MONDO:0017366.

Allele frequency attached by ClinVar (database versions not stated): gnomAD exomes below 0.00001.

Submissions (3):

Ambry Genetics
Classification: Uncertain significance for Hereditary cancer-predisposing syndrome. Last evaluated: 2026-03-23. Review status: criteria provided, single submitter. Criteria: Ambry Variant Classification Scheme 2023. Collection method: clinical testing. Allele origin: germline.
Comment: The c.459T>C variant (also known as p.I153I), located in coding exon 5 of the SDHB gene, results from a T to C substitution at nucleotide position 459. This nucleotide substitution does not change the amino acid at codon 153. This nucleotide position is not well conserved in available vertebrate species. In silico splice site analysis for this alteration is inconclusive. Based on the available evidence, the clinical significance of this variant remains unclear.

Labcorp Genetics (formerly Invitae), Labcorp
Classification: Likely benign for Gastrointestinal stromal tumor; Pheochromocytoma/paraganglioma syndrome 4; Pheochromocytoma. Last evaluated: 2024-12-02. Review status: criteria provided, single submitter. Criteria: Invitae Variant Classification Sherloc (09022015). Collection method: clinical testing. Allele origin: germline.

All of Us Research Program, National Institutes of Health
Classification: Likely benign for Hereditary pheochromocytoma and paraganglioma. Last evaluated: 2024-02-22. Review status: criteria provided, single submitter. Criteria: ACMG Guidelines, 2015. Collection method: clinical testing. Allele origin: germline. Inheritance: Autosomal dominant inheritance. Observed: 1 variant allele, 1 heterozygote.
Comment: This study involves interpretation of variants in research participants for the purpose of population health screening. Participant phenotype was not available at the time of variant classification. Additional details can be found in publication PMID: 35346344, PMCID: PMC8962531